The following is an entry in ClinVar:

NM_020365.5(EIF2B3):c.706C>G (p.Gln236Glu)

Gene: EIF2B3 (eukaryotic translation initiation factor 2B subunit gamma; minus strand). Cytogenetic location: 1p34.1.
Variant type: single nucleotide variant.
Coding change: c.706C>G on transcript NM_020365.5 (MANE Select); coding-DNA position 706, C replaced by G.
Protein change: p.Gln236Glu; replaces glutamine 236 with glutamic acid.
Molecular consequence: missense variant.
Genome position (GRCh38, 1-based): chr1:44,881,690, G>C on the plus strand (C>G on the coding strand, the complement: EIF2B3 is on the minus strand). VCF-style: chr1-44881690-G-C. GRCh37 (hg19) VCF-style: chr1-45347362-G-C.
Other names: c.706C>G, p.Gln236Glu (NM_001166588.3, NM_001261418.2); short protein forms Q236E.
Identifiers: ClinVar variation 617735 (VCV000617735.2), dbSNP rs1557668795, ClinGen allele CA340120224.

ClinVar aggregate classification (germline): Uncertain significance. Review status: criteria provided, single submitter (1 of 4 stars). 2 submissions from 2 submitters: Uncertain significance (1). 1 of the submissions does not count toward it. Last evaluated 2024-04-22.

Conditions:
Vanishing white matter disease. Also called: CACH syndrome; Childhood ataxia with diffuse central nervous system hypomyelination; Leukoencephalopathy with vanishing white matter; CACH/VWM syndrome; Cree leukoencehalopathy. Identifiers: Orphanet 135, Orphanet 99853, MedGen C1858991, MONDO:0800448.

Allele frequency attached by ClinVar (database versions not stated): TOPMed below 0.00001.

Submissions (2):

Women's Health and Genetics/Laboratory Corporation of America, LabCorp
Classification: Uncertain significance. Last evaluated: 2024-04-22. Review status: criteria provided, single submitter. Criteria: LabCorp Variant Classification Summary - May 2015. Collection method: clinical testing. Allele origin: germline.
Comment: Variant summary: EIF2B3 c.706C>G (p.Gln236Glu) results in a conservative amino acid change in the encoded protein sequence. Four of five in-silico tools predict a damaging effect of the variant on protein function. The variant was absent in 251454 control chromosomes. The available data on variant occurrences in the general population are insufficient to allow any conclusion about variant significance. c.706C>G has been reported in the literature in individuals affected with Leukoencephalopathy With Vanishing White Matter (Hyun_2019). These report(s) do not provide unequivocal conclusions about association of the variant with Leukoencephalopathy With Vanishing White Matter. To our knowledge, no experimental evidence demonstrating an impact on protein function has been reported. The following publication have been ascertained in the context of this evaluation (PMID: 31072091). ClinVar contains an entry for this variant (Variation ID: 617735). Based on the evidence outlined above, the variant was classified as uncertain significance.

Department of Rehabilitation Medicine, Incheon St. Mary’s Hospital, College of Medicine, The Catholic University of Korea
Classification: Uncertain significance for Leukoencephalopathy with vanishing white matter 1. Last evaluated: 2017-10-10. Review status: no assertion criteria provided. Collection method: research. Allele origin: maternal. Inheritance: Autosomal recessive inheritance. Affected: yes. Not counted in ClinVar's aggregate classification.

Literature cited by the submitters: PubMed 31072091 (cited by Women's Health and Genetics/Laboratory Corporation of America, LabCorp).